The following is an entry in ClinVar:

NM_004006.3(DMD):c.7216C>G (p.Leu2406Val)

Gene: DMD (dystrophin; minus strand). Cytogenetic location: Xp21.1.
Variant type: single nucleotide variant.
Coding change: c.7216C>G on transcript NM_004006.3 (MANE Select); coding-DNA position 7216, C replaced by G.
Protein change: p.Leu2406Val; replaces leucine 2406 with valine.
Molecular consequence: missense variant. On other transcripts: 5 prime UTR variant (5).
Genome position (GRCh38, 1-based): chrX:31,820,068, G>C on the plus strand (C>G on the coding strand, the complement: DMD is on the minus strand). VCF-style: chrX-31820068-G-C. GRCh37 (hg19) VCF-style: chrX-31838185-G-C.
Other names: c.7192C>G, p.Leu2398Val (NM_000109.4); c.7204C>G, p.Leu2402Val (NM_004009.3); c.6847C>G, p.Leu2283Val (NM_004010.3); c.3193C>G, p.Leu1065Val (NM_004011.4); c.3184C>G, p.Leu1062Val (NM_004012.4); c.-165C>G (NM_004013.3, NM_004020.4, NM_004021.3 and 2 more transcripts); short protein forms L2402V, L2406V, L1062V, L1065V, L2283V, L2398V.
Identifiers: ClinVar variation 3634808 (VCV003634808.2).

ClinVar aggregate classification (germline): Uncertain significance (1 of 4 stars; one submission).

Conditions:
Duchenne muscular dystrophy (DMD). Also called: MUSCULAR DYSTROPHY, PSEUDOHYPERTROPHIC PROGRESSIVE, DUCHENNE TYPE; Duchenne Muscular Dystrophy (DMD). Identifiers: Orphanet 98896, MedGen C0013264, MONDO:0010679, OMIM 310200.

Submission:

Labcorp Genetics (formerly Invitae), Labcorp
Classification: Uncertain significance for Duchenne muscular dystrophy. Last evaluated: 2024-06-25. Review status: criteria provided, single submitter. Criteria: Invitae Variant Classification Sherloc (09022015). Collection method: clinical testing. Allele origin: germline.
Comment: This sequence change replaces leucine, which is neutral and non-polar, with valine, which is neutral and non-polar, at codon 2406 of the DMD protein (p.Leu2406Val). This variant is not present in population databases (gnomAD no frequency). This variant has not been reported in the literature in individuals affected with DMD-related conditions. Advanced modeling of protein sequence and biophysical properties (such as structural, functional, and spatial information, amino acid conservation, physicochemical variation, residue mobility, and thermodynamic stability) performed at Invitae indicates that this missense variant is not expected to disrupt DMD protein function with a negative predictive value of 95%. In summary, the available evidence is currently insufficient to determine the role of this variant in disease. Therefore, it has been classified as a Variant of Uncertain Significance.